The following is an entry in ClinVar:

NM_001273.5(CHD4):c.399GGA[6] (p.Glu139del)

Gene: CHD4 (chromodomain helicase DNA binding protein 4; minus strand). Cytogenetic location: 12p13.31.
Variant type: Microsatellite.
Coding change: c.399GGA[6] on transcript NM_001273.5 (MANE Select); six copies in a row of the 3-base unit GGA starting at c.399; the reference has seven copies in a row; one copy, 3 bases deleted.
Protein change: p.Glu139del; deletes glutamic acid 139.
Molecular consequence: inframe deletion.
Genome position (GRCh38, 1-based): chr12:6,601,979-6,601,981, TCC deleted on the plus strand (GGA on the coding strand, the reverse complement: CHD4 is on the minus strand); deleting any 3 consecutive bases within chr12:6,601,979-6,602,000 gives the same sequence; the position shown is the placement nearest the transcript's 3' end. VCF-style (leftmost placement, unchanged base first): chr12-6601978-ATCC-A. GRCh37 (hg19) VCF-style: chr12-6711144-ATCC-A.
Other names: c.417_419delGGA (NM_001273.3); c.378GGA[6], p.Glu132del (NM_001297553.2); c.399GGA[6], p.Glu139del (NM_001363606.2); short protein forms E132del, E139del.
Identifiers: ClinVar variation 1509624 (VCV001509624.10), dbSNP rs71584865, ClinGen allele CA6412519.

ClinVar aggregate classification (germline): Conflicting classifications of pathogenicity. Review status: criteria provided, conflicting classifications (1 of 4 stars). 4 submissions from 4 submitters: Uncertain significance (2); Likely benign (1). 1 of the submissions does not count toward it. Last evaluated 2025-12-08.

Conditions:
CHD4-related disorder. Also called: CHD4-related condition.

Submissions (4):

Labcorp Genetics (formerly Invitae), Labcorp
Classification: Uncertain significance. Last evaluated: 2025-12-08. Review status: criteria provided, single submitter. Criteria: Invitae Variant Classification Sherloc (09022015). Collection method: clinical testing. Allele origin: germline.
Comment: This variant, c.417_419del, results in the deletion of 1 amino acid(s) of the CHD4 protein (p.Glu139del), but otherwise preserves the integrity of the reading frame. The frequency data for this variant in the population databases is considered unreliable, as metrics indicate poor data quality at this position in the gnomAD database. This variant has not been reported in the literature in individuals affected with CHD4-related conditions. This variant has been observed in at least one individual who was not affected with CHD4-related conditions (internal data). Experimental studies and prediction algorithms are not available or were not evaluated, and the functional significance of this variant is currently unknown. In summary, the available evidence is currently insufficient to determine the role of this variant in disease. Therefore, it has been classified as a Variant of Uncertain Significance.

Blueprint Genetics
Classification: Likely benign. Last evaluated: 2024-11-27. Review status: criteria provided, single submitter. Criteria: ACMG Guidelines, 2015. Collection method: clinical testing. Allele origin: germline.

Breakthrough Genomics
Classification: Uncertain significance. Review status: criteria provided, single submitter. Criteria: ACMG Guidelines, 2015. Collection method: not provided. Allele origin: germline. Inheritance: Autosomal dominant inheritance. Affected: yes.

PreventionGenetics, part of Exact Sciences
Classification: Likely benign for CHD4-related condition. Last evaluated: 2020-04-24. Review status: no assertion criteria provided. Collection method: clinical testing. Allele origin: germline. Not counted in ClinVar's aggregate classification.
Comment: This variant is classified as likely benign based on ACMG/AMP sequence variant interpretation guidelines (Richards et al. 2015 PMID: 25741868, with internal and published modifications).